The following is an entry in ClinVar:

ClinVar aggregate classification (germline): Likely benign. Review status: criteria provided, multiple submitters, no conflicts (2 of 4 stars). 2 submissions from 2 submitters: Likely benign (2). Last evaluated 2025-08-19.

Conditions:
Hereditary spherocytosis type 1. Also called: Spherocytosis type 1; ANK1-Related Spherocytosis. Identifiers: Orphanet 822, MedGen C2674218, MONDO:0008447, OMIM 182900.

Allele frequency attached by ClinVar (database versions not stated): gnomAD exomes 0.00001; ExAC 0.00002; TOPMed 0.00002; gnomAD 0.00003.
gnomAD v4.1: 15 of 1,614,074 alleles (0.00093%); highest among the groups gnomAD compares: African/African-American, 0.016%; no homozygotes.

Submissions (2):

Mayo Clinic Laboratories, Mayo Clinic
Classification: Likely benign. Last evaluated: 2025-08-19. Review status: criteria provided, single submitter. Criteria: ACMG Guidelines, 2015. Collection method: clinical testing. Allele origin: germline. Observed: 1 variant allele.
Comment: BP4, BP7

ARUP Laboratories, Molecular Genetics and Genomics, ARUP Laboratories
Classification: Likely benign for Hereditary spherocytosis type 1. Last evaluated: 2023-07-26. Review status: criteria provided, single submitter. Criteria: ARUP Molecular Germline Variant Investigation Process 2024. Collection method: clinical testing. Allele origin: germline.

NM_000037.4(ANK1):c.1659G>A (p.Glu553=)

Gene: ANK1 (ankyrin 1; minus strand). Cytogenetic location: 8p11.21.
Variant type: single nucleotide variant.
Coding change: c.1659G>A on transcript NM_000037.4 (MANE Select); coding-DNA position 1659, G replaced by A.
Protein change: p.Glu553=; no amino-acid change (glutamic acid 553 retained).
Molecular consequence: synonymous variant.
Genome position (GRCh38, 1-based): chr8:41,715,018, C>T on the plus strand (G>A on the coding strand, the complement: ANK1 is on the minus strand). VCF-style: chr8-41715018-C-T. GRCh37 (hg19) VCF-style: chr8-41572536-C-T.
Other names: p.Glu553=; c.1758G>A, p.Glu586= (NM_001142446.2); c.1659G>A, p.Glu553= (NM_020475.3, NM_020476.3, NM_020477.3).
Identifiers: ClinVar variation 2921000 (VCV002921000.2), dbSNP rs768163504, ClinGen allele CA4728536.